The following is an entry in ClinVar:

NM_016203.4(PRKAG2):c.-16A>G

Gene: PRKAG2 (protein kinase AMP-activated non-catalytic subunit gamma 2; minus strand). Cytogenetic location: 7q36.1.
Variant type: single nucleotide variant.
Coding change: c.-16A>G on transcript NM_016203.4 (MANE Select); 16 bases upstream of the start codon, A replaced by G.
Molecular consequence: 5 prime UTR variant.
Genome position (GRCh38, 1-based): chr7:151,876,636, T>C on the plus strand (A>G on the coding strand, the complement: PRKAG2 is on the minus strand). VCF-style: chr7-151876636-T-C. GRCh37 (hg19) VCF-style: chr7-151573721-T-C.
Identifiers: ClinVar variation 359352 (VCV000359352.6), dbSNP rs200468798, ClinGen allele CA056226.

ClinVar aggregate classification (germline): Conflicting classifications of pathogenicity. Review status: criteria provided, conflicting classifications (1 of 4 stars). 3 submissions from 2 submitters: Uncertain significance (2); Likely benign (1). Last evaluated 2018-05-24.

Conditions:
Hypertrophic cardiomyopathy 6. Identifiers: MedGen C1833236, MONDO:0010946, OMIM 600858.
Wolff-Parkinson-White pattern. Also called: WPW SYNDROME; Auriculoventricular accessory pathway syndrome; False bundle branch block syndrome; Anomalous ventricular excitation syndrome. Identifiers: MedGen C0043202, MONDO:0008685, OMIM 194200, HP:0001716.

Allele frequency attached by ClinVar (database versions not stated): gnomAD 0.00003 and 0.00005; TOPMed 0.00003; ExAC 0.00007; gnomAD exomes 0.00011; 1000 Genomes Project 30x 0.00078; 1000 Genomes Project 0.00080.
gnomAD v4.1: 46 of 1,605,596 alleles (0.0029%); highest among the groups gnomAD compares: East Asian, 0.074%; no homozygotes.

Submissions (3):

GeneDx
Classification: Likely benign. Last evaluated: 2018-05-24. Review status: criteria provided, single submitter. Criteria: GeneDx Variant Classification (06012015). Collection method: clinical testing. Allele origin: germline. Affected: yes.
Comment: This variant is considered likely benign or benign based on one or more of the following criteria: it is a conservative change, it occurs at a poorly conserved position in the protein, it is predicted to be benign by multiple in silico algorithms, and/or has population frequency not consistent with disease.

Illumina Laboratory Services, Illumina
Classification: Uncertain significance for Wolff-Parkinson-White pattern. Last evaluated: 2018-01-12. Review status: criteria provided, single submitter. Criteria: ICSL Variant Classification Criteria 13 December 2019. Collection method: clinical testing. Allele origin: germline.

Illumina Laboratory Services, Illumina
Classification: Uncertain significance for Hypertrophic cardiomyopathy 6. Last evaluated: 2018-01-12. Review status: criteria provided, single submitter. Criteria: ICSL Variant Classification Criteria 13 December 2019. Collection method: clinical testing. Allele origin: germline.